The following is an entry in ClinVar:

ClinVar aggregate classification (germline): Benign/Likely benign. Review status: criteria provided, multiple submitters, no conflicts (2 of 4 stars). 6 submissions from 6 submitters: Benign (1); Likely benign (5). Last evaluated 2026-01-26.

Conditions:
BAP1-related tumor predisposition syndrome (TPDS1). Also called: TUMOR PREDISPOSITION SYNDROME 1; Tumor susceptibility linked to germline BAP1 mutations; BAP1 tumor predisposition syndrome; COMMON Syndrome. Identifiers: Orphanet 289539, MedGen C3280492, MONDO:0013692, OMIM 614327.
Hereditary cancer-predisposing syndrome. Also called: Tumor predisposition; Neoplastic Syndromes, Hereditary; Hereditary neoplastic syndrome; Hereditary Cancer Syndrome. Identifiers: Orphanet 140162, MedGen C0027672, MeSH D009386, MONDO:0015356.

gnomAD v4.1: 4 of 1,613,918 alleles (0.00025%); no homozygotes.

Submissions (6):

Labcorp Genetics (formerly Invitae), Labcorp
Classification: Likely benign for BAP1-related tumor predisposition syndrome. Last evaluated: 2026-01-26. Review status: criteria provided, single submitter. Criteria: Invitae Variant Classification Sherloc (09022015). Collection method: clinical testing. Allele origin: germline.

KCCC/NGS Laboratory, Kuwait Cancer Control Center
Classification: Benign for BAP1-related tumor predisposition syndrome. Last evaluated: 2025-02-01. Review status: criteria provided, single submitter. Criteria: ACMG Guidelines, 2015. Collection method: clinical testing. Allele origin: germline. Affected: no.

Blueprint Genetics
Classification: Likely benign. Last evaluated: 2024-10-10. Review status: criteria provided, single submitter. Criteria: ACMG Guidelines, 2015. Collection method: clinical testing. Allele origin: germline.

Myriad Genetics, Inc.
Classification: Likely benign for BAP1-related tumor predisposition syndrome. Last evaluated: 2024-07-15. Review status: criteria provided, single submitter. Criteria: Myriad Autosomal Dominant, Autosomal Recessive and X-Linked Classification Criteria (2023). Collection method: clinical testing. Allele origin: unknown.
Comment: This variant is considered likely benign. This variant is intronic and is not expected to impact mRNA splicing.

Color Diagnostics, LLC DBA Color Health
Classification: Likely benign for Hereditary cancer-predisposing syndrome. Last evaluated: 2018-08-15. Review status: criteria provided, single submitter. Criteria: ACMG Guidelines, 2015. Collection method: clinical testing. Allele origin: germline.

GeneDx
Classification: Likely benign. Last evaluated: 2016-10-11. Review status: criteria provided, single submitter. Criteria: GeneDx Variant Classification (06012015). Collection method: clinical testing. Allele origin: germline. Affected: yes.
Comment: This variant is considered likely benign or benign based on one or more of the following criteria: it is a conservative change, it occurs at a poorly conserved position in the protein, it is predicted to be benign by multiple in silico algorithms, and/or has population frequency not consistent with disease.

NM_004656.4(BAP1):c.784-14G>T

Gene: BAP1 (BRCA1 associated deubiquitinase 1; minus strand). Cytogenetic location: 3p21.1.
Variant type: single nucleotide variant.
Coding change: c.784-14G>T on transcript NM_004656.4 (MANE Select); 14 bases into the intron before coding-DNA position 784, G replaced by T.
Molecular consequence: intron variant.
Genome position (GRCh38, 1-based): chr3:52,405,926, C>A on the plus strand (G>T on the coding strand, the complement: BAP1 is on the minus strand). VCF-style: chr3-52405926-C-A. GRCh37 (hg19) VCF-style: chr3-52439942-C-A.
Identifiers: ClinVar variation 389925 (VCV000389925.14), dbSNP rs1057523584, ClinGen allele CA16604985.